The following is an entry in ClinVar:

NM_031885.5(BBS2):c.337_338del (p.Tyr113fs)

Gene: BBS2 (Bardet-Biedl syndrome 2; minus strand). Cytogenetic location: 16q13.
Variant type: Deletion.
Coding change: c.337_338del on transcript NM_031885.5 (MANE Select); coding-DNA positions 337 to 338, 2 bases deleted (TA; older notation c.337_338delTA).
Protein change: p.Tyr113fs; shifts the reading frame from tyrosine 113.
Molecular consequence: frameshift variant. On other transcripts: non-coding transcript variant (5).
Genome position (GRCh38, 1-based): chr16:56,514,460-56,514,461, TA deleted on the plus strand (TA on the coding strand, the reverse complement: BBS2 is on the minus strand). VCF-style (leftmost placement, unchanged base first): chr16-56514459-GTA-G. GRCh37 (hg19) VCF-style: chr16-56548371-GTA-G.
Other names: c.337_338del, p.Tyr113fs (NM_001377456.1); short protein forms Y113fs.
Identifiers: ClinVar variation 5011537 (VCV005011537.1).

ClinVar aggregate classification (germline): Pathogenic (1 of 4 stars; one submission).

Conditions:
BBS2-related ciliopathy. Identifiers: MedGen CN378634, MONDO:1040048.

Submission:

Myriad Genetics, Inc.
Classification: Pathogenic for BBS2-related ciliopathy. Last evaluated: 2023-09-03. Review status: criteria provided, single submitter. Criteria: Myriad Autosomal Dominant, Autosomal Recessive and X-Linked Classification Criteria (2023). Collection method: clinical testing. Allele origin: unknown.
Comment: NM_031885.3(BBS2):c.337_338delTA(Y113Qfs*37) is expected to be pathogenic in the context of Bardet-Biedl syndrome, BBS2-related. This variant is predicted to lead to an abnormal or absent protein product due to the creation of a premature termination codon in BBS2, a gene where loss-of-function variants are known to be pathogenic. Please note: this variant was assessed in the context of healthy population screening.